The following is an entry in ClinVar:

NM_001244710.2(GFPT1):c.1805A>G (p.Asp602Gly)

Gene: GFPT1 (glutamine--fructose-6-phosphate transaminase 1; minus strand). Cytogenetic location: 2p13.3.
Variant type: single nucleotide variant.
Coding change: c.1805A>G on transcript NM_001244710.2 (MANE Select); coding-DNA position 1805, A replaced by G.
Protein change: p.Asp602Gly; replaces aspartic acid 602 with glycine.
Molecular consequence: missense variant.
Genome position (GRCh38, 1-based): chr2:69,328,359, T>C on the plus strand (A>G on the coding strand, the complement: GFPT1 is on the minus strand). VCF-style: chr2-69328359-T-C. GRCh37 (hg19) VCF-style: chr2-69555491-T-C.
Other names: c.1751A>G, p.Asp584Gly (NM_002056.4); short protein forms D584G, D602G.
Identifiers: ClinVar variation 4845284 (VCV004845284.1).

ClinVar aggregate classification (germline): Likely pathogenic (1 of 4 stars; one submission).

Conditions:
Congenital myasthenic syndrome 12 (CMS12). Also called: MYASTHENIC SYNDROME, CONGENITAL, WITH TUBULAR AGGREGATES 1; Myasthenia, congenital, 12, with tubular aggregates. Identifiers: Orphanet 353327, Orphanet 590, MedGen C3552335, MONDO:0012518, OMIM 610542.

Submission:

Pediatric Neurology, Ankara Etlik City Hospital, Health Sciences University
Classification: Likely pathogenic for Congenital myasthenic syndrome 12. Last evaluated: 2026-04-14. Review status: criteria provided, single submitter. Criteria: ACMG Guidelines, 2015. Collection method: clinical testing. Allele origin: germline. Inheritance: Autosomal recessive inheritance. Affected: yes. Observed: 1 variant allele, 1 homozygote.
Comment: PM2 PM3 PP2